The following is an entry in ClinVar:

ClinVar aggregate classification (germline): Uncertain significance (1 of 4 stars; one submission).

Submission:

Labcorp Genetics (formerly Invitae), Labcorp
Classification: Uncertain significance. Last evaluated: 2023-10-17. Review status: criteria provided, single submitter. Criteria: Invitae Variant Classification Sherloc (09022015). Collection method: clinical testing. Allele origin: germline.
Comment: This sequence change creates a premature translational stop signal (p.Gln731*) in the A2ML1 gene. It is expected to result in an absent or disrupted protein product. However, the current clinical and genetic evidence is not sufficient to establish whether loss-of-function variants in A2ML1 cause disease. This variant is not present in population databases (gnomAD no frequency). This variant has not been reported in the literature in individuals affected with A2ML1-related conditions. In summary, the available evidence is currently insufficient to determine the role of this variant in disease. Therefore, it has been classified as a Variant of Uncertain Significance.

NM_144670.6(A2ML1):c.2191C>T (p.Gln731Ter)

Gene: A2ML1 (alpha-2-macroglobulin like 1; plus strand). Cytogenetic location: 12p13.31.
Variant type: single nucleotide variant.
Coding change: c.2191C>T on transcript NM_144670.6 (MANE Select); coding-DNA position 2191, C replaced by T.
Protein change: p.Gln731Ter; replaces glutamine 731 with a stop codon.
Molecular consequence: nonsense.
Genome position (GRCh38, 1-based): chr12:8,850,231, C>T. VCF-style: chr12-8850231-C-T. GRCh37 (hg19) VCF-style: chr12-9002827-C-T.
Other names: c.718C>T, p.Gln240Ter (NM_001282424.3); short protein forms Q240*, Q731*.
Identifiers: ClinVar variation 2769392 (VCV002769392.3), dbSNP rs2539251647, ClinGen allele CA383832280.